The following is an entry in ClinVar:

NM_032737.4(LMNB2):c.1285G>C (p.Gly429Arg)

Gene: LMNB2 (lamin B2; minus strand). Cytogenetic location: 19p13.3.
Variant type: single nucleotide variant.
Coding change: c.1285G>C on transcript NM_032737.4 (MANE Select); coding-DNA position 1285, G replaced by C.
Protein change: p.Gly429Arg; replaces glycine 429 with arginine.
Molecular consequence: missense variant.
Genome position (GRCh38, 1-based): chr19:2,434,023, C>G on the plus strand (G>C on the coding strand, the complement: LMNB2 is on the minus strand). VCF-style: chr19-2434023-C-G. GRCh37 (hg19) VCF-style: chr19-2434021-C-G.
Other names: short protein forms G429R.
Identifiers: ClinVar variation 2202961 (VCV002202961.4), dbSNP rs760709933, ClinGen allele CA9067545.

ClinVar aggregate classification (germline): Uncertain significance (1 of 4 stars; one submission).

Conditions:
Progressive myoclonic epilepsy type 9. Identifiers: Orphanet 457265, MedGen C4225289, MONDO:0014685, OMIM 616540.
Lipodystrophy, partial, acquired, susceptibility to (APLD). Also called: APLD, SUSCEPTIBILITY TO. Identifiers: MedGen C3887501, MONDO:0100476, OMIM 608709.

gnomAD v4.1: 39 of 1,604,432 alleles (0.0024%); highest among the groups gnomAD compares: Non-Finnish European, 0.0032%; no homozygotes.

Submission:

Labcorp Genetics (formerly Invitae), Labcorp
Classification: Uncertain significance for Progressive myoclonic epilepsy type 9; Lipodystrophy, partial, acquired, susceptibility to. Last evaluated: 2022-08-11. Review status: criteria provided, single submitter. Criteria: Invitae Variant Classification Sherloc (09022015). Collection method: clinical testing. Allele origin: germline.
Comment: This variant has not been reported in the literature in individuals affected with LMNB2-related conditions. This variant is present in population databases (rs760709933, gnomAD 0.001%). This sequence change replaces glycine, which is neutral and non-polar, with arginine, which is basic and polar, at codon 429 of the LMNB2 protein (p.Gly429Arg). Algorithms developed to predict the effect of missense changes on protein structure and function are either unavailable or do not agree on the potential impact of this missense change (SIFT: "Deleterious"; PolyPhen-2: "Benign"; Align-GVGD: "Class C0"). In summary, the available evidence is currently insufficient to determine the role of this variant in disease. Therefore, it has been classified as a Variant of Uncertain Significance.